The following is an entry in ClinVar:

NM_000618.5(IGF1):c.402+1534C>T

Genes: IGF1 (insulin like growth factor 1; minus strand), LINC02456 (long intergenic non-protein coding RNA 2456; plus strand). Cytogenetic location: 12q23.2.
Variant type: single nucleotide variant.
Coding change: c.402+1534C>T on transcript NM_000618.5 (MANE Select); 1534 bases into the intron after coding-DNA position 402, C replaced by T.
Molecular consequence: intron variant. On other transcripts: missense variant (4).
Genome position (GRCh38, 1-based): chr12:102,417,975, G>A on the plus strand (C>T on the coding strand, the complement: IGF1 is on the minus strand). VCF-style: chr12-102417975-G-A. GRCh37 (hg19) VCF-style: chr12-102811753-G-A.
Other names: c.431C>T, p.Thr144Met (NM_001111283.3, NM_001111285.3, NM_001414005.1); c.383C>T, p.Thr128Met (NM_001414006.1); c.402+1534C>T (NM_001414007.1); c.354+1534C>T (NM_001111284.2); short protein forms T128M, T144M.
Identifiers: ClinVar variation 3896269 (VCV003896269.2).

ClinVar aggregate classification (germline): Likely benign (1 of 4 stars; one submission).

gnomAD v4.1: 62 of 1,612,524 alleles (0.0038%); highest among the groups gnomAD compares: East Asian, 0.049%; no homozygotes.

Submission:

Women's Health and Genetics/Laboratory Corporation of America, LabCorp
Classification: Likely benign. Last evaluated: 2025-04-15. Review status: criteria provided, single submitter. Criteria: LabCorp Variant Classification Summary - May 2015. Collection method: clinical testing. Allele origin: germline.
Comment: Variant summary: IGF1 c.402+1534C>T (c.431C>T; p.Thr144Met on NM_001111283) is located at a position not widely known to affect splicing. Consensus agreement among computation tools predict no significant impact on normal splicing. However, these predictions have yet to be confirmed by functional studies. The variant allele was found at a frequency of 0.00013 in 247316 control chromosomes (gnomAD). This frequency is not significantly higher than estimated for a pathogenic variant in IGF1 causing Growth Delay Due To Insulin-Like Growth Factor Type 1 Deficiency, allowing no conclusion about variant significance. To our knowledge, no occurrence of c.402+1534C>T in individuals affected with Growth Delay Due To Insulin-Like Growth Factor Type 1 Deficiency and no experimental evidence demonstrating its impact on protein function have been reported. No submitters have cited clinical-significance assessments for this variant to ClinVar. Based on the evidence outlined above, the variant was classified as likely benign.